The following is an entry in ClinVar:

ClinVar aggregate classification (germline): Pathogenic (1 of 4 stars; one submission).

Conditions:
Fanconi anemia (FA). Also called: Fanconi's anemia. Identifiers: Orphanet 84, MedGen C0015625, MeSH D005199, MONDO:0019391.

Submission:

Labcorp Genetics (formerly Invitae), Labcorp
Classification: Pathogenic for Fanconi anemia. Last evaluated: 2023-02-28. Review status: criteria provided, single submitter. Criteria: Invitae Variant Classification Sherloc (09022015). Collection method: clinical testing. Allele origin: germline.
Comment: For these reasons, this variant has been classified as Pathogenic. This variant has not been reported in the literature in individuals affected with FANCI-related conditions. This variant is not present in population databases (gnomAD no frequency). This sequence change creates a premature translational stop signal (p.Asp170Ilefs*5) in the FANCI gene. It is expected to result in an absent or disrupted protein product. Loss-of-function variants in FANCI are known to be pathogenic (PMID: 17452773, 17460694).

Literature cited by the submitters: PubMed 17452773; PubMed 17460694.

NM_001113378.2(FANCI):c.508del (p.Asp170fs)

Gene: FANCI (FA complementation group I; plus strand). Cytogenetic location: 15q26.1.
Variant type: Deletion.
Coding change: c.508del on transcript NM_001113378.2 (MANE Select); coding-DNA position 508, one base deleted (G; older notation c.508delG).
Protein change: p.Asp170fs; shifts the reading frame from aspartic acid 170.
Molecular consequence: frameshift variant.
Genome position (GRCh38, 1-based): chr15:89,263,423, G deleted; the last of 3 consecutive G bases (chr15:89,263,421-89,263,423); deleting any one gives the same sequence. VCF-style (leftmost placement, unchanged base first): chr15-89263420-TG-T. GRCh37 (hg19) VCF-style: chr15-89806651-TG-T.
Other names: c.229del, p.Asp77fs (NM_001376910.1); c.508del, p.Asp170fs (NM_001376911.1, NM_018193.3); short protein forms D170fs, D77fs.
Identifiers: ClinVar variation 2873995 (VCV002873995.3), dbSNP rs2505951838, ClinGen allele CA2575827577.